The following is an entry in ClinVar:

NM_001267550.2(TTN):c.44281+1G>A

Gene: TTN (titin; minus strand). Cytogenetic location: 2q31.2.
Variant type: single nucleotide variant.
Coding change: c.44281+1G>A on transcript NM_001267550.2 (MANE Select); the canonical splice donor site of the intron after coding-DNA position 44281, G replaced by A.
Molecular consequence: splice donor variant.
Genome position (GRCh38, 1-based): chr2:178,630,240, C>T on the plus strand (G>A on the coding strand, the complement: TTN is on the minus strand). VCF-style: chr2-178630240-C-T. GRCh37 (hg19) VCF-style: chr2-179494967-C-T.
Other names: c.44281+1G>A (LRG_391t1); c.17086+1G>A (NM_003319.4); c.17662+1G>A (NM_133437.4); c.17461+1G>A (NM_133432.3); c.36577+1G>A (NM_133378.4); c.39358+1G>A (NM_001256850.1).
Identifiers: ClinVar variation 223307 (VCV000223307.31), dbSNP rs771562210, ClinGen allele CA090088.

ClinVar aggregate classification (germline): Conflicting classifications of pathogenicity. Review status: criteria provided, conflicting classifications (1 of 4 stars). 9 submissions from 9 submitters: Pathogenic (2); Likely pathogenic (5); Uncertain significance (1). 1 of the submissions does not count toward it. Last evaluated 2026-02-26.

Conditions:
Cardiovascular phenotype. Identifiers: MedGen CN230736.
Autosomal recessive limb-girdle muscular dystrophy type 2J (LGMDR10). Also called: Limb-girdle muscular dystrophy, type 2J; MUSCULAR DYSTROPHY, LIMB-GIRDLE, AUTOSOMAL RECESSIVE 10. Identifiers: Orphanet 140922, MedGen C1837342, MONDO:0012127, OMIM 608807.
Dilated cardiomyopathy 1G (CMD1G). Identifiers: Orphanet 154, MedGen C1858763, MONDO:0011400, OMIM 604145.
Primary familial dilated cardiomyopathy (FDC). Also called: Hypokinetic dilated cardiomyopathy, familial; Familial dilated cardiomyopathy. Identifiers: Orphanet 217607, MedGen C0340427, MONDO:0016333.
Primary dilated cardiomyopathy (DCM). Also called: Dilated Cardiomyopathy. Identifiers: Orphanet 217604, MedGen C0007193, MeSH D002311, MONDO:0005021, HP:0001644. Inheritance: Various modes of inheritance.
Myopathy, myofibrillar, 9, with early respiratory failure (MFM9). Also called: Hereditary myopathy with early respiratory failure; EDSTROM MYOPATHY; MYOPATHY, PROXIMAL, WITH EARLY RESPIRATORY MUSCLE INVOLVEMENT; Myopathy, distal, with early respiratory failure, autosomal dominant. Identifiers: Orphanet 178464, Orphanet 34521, MedGen C1863599, MONDO:0011362, OMIM 603689.
Tibial muscular dystrophy (TMD). Also called: Tibial muscular dystrophy, tardive; UDD MYOPATHY; Udd Distal Myopathy – Tibial Muscular Dystrophy. Identifiers: Orphanet 609, MedGen C1838244, MONDO:0010870, OMIM 600334.

Allele frequency attached by ClinVar (database versions not stated): gnomAD exomes below 0.00001; ExAC 0.00001; TOPMed 0.00001.
gnomAD v4.1: 5 of 1,612,768 alleles (0.00031%); highest among the groups gnomAD compares: South Asian, 0.0011%; no homozygotes.

Submissions (9):

GeneDx
Classification: Likely pathogenic. Last evaluated: 2026-02-26. Review status: criteria provided, single submitter. Criteria: GeneDx Variant Classification Process June 2021. Collection method: clinical testing. Allele origin: germline. Affected: yes.
Comment: Located in a specific region of the I-band within TTN for which truncating variants are significantly associated with autosomal dominant cardiomyopathy and also with autosomal recessive skeletal myopathies (PMID: 27625338, 27869827, 32778822); Identified in patients with dilated cardiomyopathy referred for genetic testing at GeneDx and in published literature (PMID: 25589632, 31983221, 32964742, 34315225, 33996946, 37652022, 39472908); Not observed at significant frequency in large population cohorts (gnomAD); This variant is associated with the following publications: (PMID: 31983221, 32964742, 34315225, 33996946, 25589632, 37652022, 27625338, 27869827, 32778822, 39472908, 39844436, 33449170, 40550458)

Labcorp Genetics (formerly Invitae), Labcorp
Classification: Pathogenic for Dilated cardiomyopathy 1G; Autosomal recessive limb-girdle muscular dystrophy type 2J. Last evaluated: 2025-09-10. Review status: criteria provided, single submitter. Criteria: Invitae Variant Classification Sherloc (09022015). Collection method: clinical testing. Allele origin: germline.
Comment: This sequence change affects a donor splice site in intron 239 of the TTN gene. It is expected to disrupt RNA splicing and likely results in a truncated or disrupted TTN protein. The frequency data for this variant in the population databases is considered unreliable, as metrics indicate poor data quality at this position in the gnomAD database. Disruption of this splice site has been observed in individuals with autosomal dominant dilated cardiomyopathy (PMID: 25589632, 31983221, 32964742, 34315225; internal data). ClinVar contains an entry for this variant (Variation ID: 223307). Algorithms developed to predict the effect of sequence changes on RNA splicing suggest that this variant may disrupt the consensus splice site. This variant is located in the I band of TTN (PMID: 25589632). Truncating variants in this region have been reported in individuals affected with autosomal recessive centronuclear myopathy (PMID: 23975875, internal data). Truncating variants in this region have also been identified in individuals affected with autosomal dominant dilated cardiomyopathy and/or cardio-related conditions (PMID: 27869827, 32964742, internal data). For these reasons, this variant has been classified as Pathogenic.

Ambry Genetics
Classification: Likely pathogenic for Cardiovascular phenotype. Last evaluated: 2025-02-14. Review status: criteria provided, single submitter. Criteria: Ambry Variant Classification Scheme 2023. Collection method: clinical testing. Allele origin: germline.
Comment: The c.17086+1G>A intronic variant results from a G to A substitution one nucleotide after coding exon 66 of the TTN gene. Exon 66 is located in the I-band region of the N2-B isoform of the titin protein and is constitutively expressed in TTN transcripts (percent spliced in or PSI 100%). This variant (also referred to as NM_001267550.1:c.44281+1G>A) was reported in individual(s) with features consistent with dilated cardiomyopathy (Roberts AM et al. Sci Transl Med, 2015 Jan;7:270ra6; Akhtar MM et al. Circ Heart Fail, 2020 Oct;13:e006832; Mazzarotto F et al. Circulation, 2020 Feb;141:387-398). This variant is considered to be rare based on population cohorts in the Genome Aggregation Database (gnomAD). This variant disrupts the canonical splice site and is expected to cause aberrant splicing, resulting in an abnormal protein or a transcript that is subject to nonsense-mediated mRNA decay. While loss of function variants in TTN are present in 1-3% of the general population, truncating variants (a category that includes canonical splice site variants) in the A-band are the most common cause of dilated cardiomyopathy (DCM) (Herman DS et al. N. Engl. J. Med., 2012 Feb;366:619-28; Roberts AM et al. Sci Transl Med, 2015 Jan;7:270ra6). TTN truncating variants encoded in constitutive exons (PSI >90%) have been found to be significantly associated with DCM regardless of their position in titin (Schafer S et al. Nat. Genet., 2017 01;49:46-53; Akhtar MM et al. Circ Heart Fail, 2020 Oct;13:e006832; Massier M et al. Clin Genet, 2025 Jan). Based on the majority of available evidence to date, this variant is likely to be pathogenic.

Women's Health and Genetics/Laboratory Corporation of America, LabCorp
Classification: Pathogenic for Primary familial dilated cardiomyopathy. Last evaluated: 2023-06-23. Review status: criteria provided, single submitter. Criteria: LabCorp Variant Classification Summary - May 2015. Collection method: clinical testing. Allele origin: germline.
Comment: Variant summary: TTN c.36577+1G>A is located in a canonical splice-site and is predicted to affect mRNA splicing resulting in a significantly altered protein due to either exon skipping, shortening, or inclusion of intronic material. Nonsense, frameshift, and canonical splice-site variants in TTN are strongly associated with DCM when they affect exons encoding for the A-band region (PMIDs: 22335739, 24503780) and/or exons constitutively expressed (proportion spliced in [PSI]>0.9) in the primary cardiac isoforms (PMIDs: 25589632, 31216868, 32964742, 27869827), which is the case for this variant (located in the I-band with a PSI score of 100%). Several computational tools predict a significant impact on normal splicing: Four of four predict the variant abolishes a canonical 5' splicing donor site. However, these predictions have yet to be confirmed by functional studies. The variant allele was found at a frequency of 4e-06 in 248288 control chromosomes (gnomAD). c.36577+1G>A has been reported in the literature in multiple individuals affected with Dilated Cardiomyopathy (e.g. Roberts_2015, Akhtar_2020, Mazzarotto_2020, Enriquez_2021). These data indicate that the variant is likely to be associated with disease. The following publications have been ascertained in the context of this evaluation (PMID: 32964742, 34315225, 31983221, 25589632). Four submitters have cited clinical-significance assessments for this variant to ClinVar after 2014 with conflicting assessments, classifiying the variant as either likely pathogenic (n=2) or VUS (n=2). Based on the evidence outlined above, the variant was classified as pathogenic.

Laboratory for Molecular Medicine, Mass General Brigham Personalized Medicine
Classification: Likely pathogenic for Primary dilated cardiomyopathy. Last evaluated: 2022-08-26. Review status: criteria provided, single submitter. Criteria: ACMG Guidelines, 2015. Collection method: clinical testing. Allele origin: germline.
Comment: The c.36577+1G>A variant in TTN has been reported in at least 3 individuals with dilated cardiomyopathy (DCM) and 1 individual with left ventricular systolic dysfunction (LVSD) (Roberts 2015 PMID: 25589632, Akhtar 2020 PMID: 32964742, Mazzarotto 2020 PMID: 31983221), and was absent in large population databases. This variant occurs within the canonical splice site (+/- 1,2) and is predicted to cause altered splicing leading to an abnormal or absent protein. Loss of function of the TTN gene is an established disease mechanism in autosomal dominant dilated cardiomyopathy. This variant meets criteria to be classified as likely pathogenic for autosomal dominant dilated cardiomyopathy. ACMG/AMP criteria applied: PVS1_Strong, PM2_Supporting, PS4_Supporting.

Stanford Center for Inherited Cardiovascular Disease, Stanford University
Classification: Uncertain significance. Last evaluated: 2017-08-28. Review status: criteria provided, single submitter. Criteria: ACMG Guidelines, 2015. Collection method: provider interpretation. Allele origin: germline.

Cardiovascular Biomedical Research Unit, Royal Brompton & Harefield NHS Foundation Trust
Classification: Likely pathogenic for Primary dilated cardiomyopathy. Last evaluated: 2014-10-08. Review status: criteria provided, single submitter. Criteria: Roberts et al. 2015. Collection method: research. Allele origin: germline. Inheritance: Autosomal dominant inheritance. Affected: yes. Observed: 1 variant allele. Study: Endstage DCM.
Comment: In the seven cohorts assessed, TTNtv were found in 14% of ambulant DCM, 22% end-stage or familial DCM, and 2% controls. Heterozygous nonsense, frameshift and canonical splice-disrupting variants found in constitutive and other highly utilised exons are highly likely to be pathogenic when identified in individuals with phenotypically confirmed DCM. TTNtv found incidentally in healthy individuals (excluding familial assessment of DCM relatives) are thought to have low penetrance, particularly when identified in exons that are not constitutively expressed in the heart.

Juno Genomics, Hangzhou Juno Genomics, Inc
Classification: Likely pathogenic for Dilated cardiomyopathy 1G. Review status: criteria provided, single submitter. Criteria: ACMG Guidelines, 2015. Collection method: clinical testing. Allele origin: germline.
Comment: Absent from controls (or at extremely low frequency if recessive) in Genome Aggregation Database.;The prevalence of the variant in affected individuals is significantly increased compared to the prevalence in controls.;Null variant in a gene where loss of function (LOF) is a known mechanism of disease.

Cardiogenetics and Myogenetics Molecular and Cellular Functional Unit, Aphp Sorbonne University-Hopital Pitie Salpetriere
Classification: Likely pathogenic for Dilated cardiomyopathy 1G. Last evaluated: 2024-01-06. Review status: no assertion criteria provided. Collection method: clinical testing. Allele origin: germline. Affected: yes. Not counted in ClinVar's aggregate classification.

Literature cited by the submitters: PubMed 25589632 (cited by 4 submitters); PubMed 31983221 (cited by 3 submitters); PubMed 32964742 (cited by 3 submitters); PubMed 34315225 (cited by Labcorp Genetics (formerly Invitae), Labcorp and Women's Health and Genetics/Laboratory Corporation of America, LabCorp); PubMed 23975875 (cited by Labcorp Genetics (formerly Invitae), Labcorp); PubMed 27869827 (cited by Labcorp Genetics (formerly Invitae), Labcorp); PubMed 22335739 (cited by Laboratory for Molecular Medicine, Mass General Brigham Personalized Medicine).